The following is an entry in ClinVar:

ClinVar aggregate classification (germline): Uncertain significance. Review status: criteria provided, multiple submitters, no conflicts (2 of 4 stars). 2 submissions from 2 submitters: Uncertain significance (2). Last evaluated 2026-05-14.

Allele frequency attached by ClinVar (database versions not stated): ESP Exome Variant Server 0.00046; 1000 Genomes Project 0.00060; gnomAD 0.00066 and 0.00062; ExAC 0.00021; gnomAD exomes 0.00016; 1000 Genomes Project 30x 0.00062; TOPMed 0.00062.
gnomAD v4.1: 245 of 1,614,074 alleles (0.015%); highest among the groups gnomAD compares: African/African-American, 0.2%; no homozygotes.

Submissions (2):

GeneDx
Classification: Uncertain significance. Last evaluated: 2026-05-14. Review status: criteria provided, single submitter. Criteria: GeneDx Variant Classification Process June 2021. Collection method: clinical testing. Allele origin: germline.
Comment: In silico analysis suggests that this missense variant does not alter protein structure/function; Has not been previously published as pathogenic or benign to our knowledge

Labcorp Genetics (formerly Invitae), Labcorp
Classification: Uncertain significance. Last evaluated: 2026-01-19. Review status: criteria provided, single submitter. Criteria: Invitae Variant Classification Sherloc (09022015). Collection method: clinical testing. Allele origin: germline.
Comment: This sequence change replaces valine, which is neutral and non-polar, with isoleucine, which is neutral and non-polar, at codon 498 of the RARS protein (p.Val498Ile). This variant is present in population databases (rs149853748, gnomAD 0.2%). This variant has not been reported in the literature in individuals affected with RARS-related conditions. ClinVar contains an entry for this variant (Variation ID: 1680437). Invitae Evidence Modeling of protein sequence and biophysical properties (such as structural, functional, and spatial information, amino acid conservation, physicochemical variation, residue mobility, and thermodynamic stability) indicates that this missense variant is not expected to disrupt RARS protein function with a negative predictive value of 80%. In summary, the available evidence is currently insufficient to determine the role of this variant in disease. Therefore, it has been classified as a Variant of Uncertain Significance.

NM_002887.4(RARS1):c.1492G>A (p.Val498Ile)

Gene: RARS1 (arginyl-tRNA synthetase 1; plus strand). Cytogenetic location: 5q34.
Variant type: single nucleotide variant.
Coding change: c.1492G>A on transcript NM_002887.4 (MANE Select); coding-DNA position 1492, G replaced by A.
Protein change: p.Val498Ile; replaces valine 498 with isoleucine.
Molecular consequence: missense variant.
Genome position (GRCh38, 1-based): chr5:168,516,817, G>A. VCF-style: chr5-168516817-G-A. GRCh37 (hg19) VCF-style: chr5-167943822-G-A.
Other names: c.1492G>A (NM_002887.3); short protein forms V498I.
Identifiers: ClinVar variation 1680437 (VCV001680437.6), dbSNP rs149853748, ClinGen allele CA3549945.
Genomic context (GRCh38, chr5:168,516,817, plus strand): 5'-ACTGTTTTGTTTTTCCCAAAGGTCTTAACTGCAGAGGAATTGAATGCTGCTCAGACATCC[G>A]TTGCGTATGGCTGCATCAAATATGCTGACCTTTCCCATAACCGGTTGAATGACTACATCT-3'
Protein context (NP_002878.2, residues 488-508): AEELNAAQTS[Val498Ile]AYGCIKYADL